The following is an entry in ClinVar:

ClinVar aggregate classification (germline): Conflicting classifications of pathogenicity. Review status: criteria provided, conflicting classifications (1 of 4 stars). 7 submissions from 7 submitters: Uncertain significance (4); Likely benign (3). Last evaluated 2026-02-02.

Conditions:
Hereditary cancer-predisposing syndrome. Also called: Tumor predisposition; Hereditary Cancer Syndrome; Hereditary neoplastic syndrome; Neoplastic Syndromes, Hereditary. Identifiers: Orphanet 140162, MedGen C0027672, MeSH D009386, MONDO:0015356.
Hereditary breast ovarian cancer syndrome. Also called: Hereditary breast and ovarian cancer; Hereditary breast and/or ovarian cancer syndrome; BRCA1- and BRCA2-Associated Hereditary Breast and Ovarian Cancer; Hereditary breast and ovarian cancer syndrome; Hereditary breast and ovarian cancer syndrome (HBOC); Breast and ovarian cancer. Identifiers: Orphanet 145, MedGen C0677776, MeSH D061325, MONDO:0003582. Disease mechanism: loss of function.

Submissions (7):

Labcorp Genetics (formerly Invitae), Labcorp
Classification: Likely benign for Hereditary breast ovarian cancer syndrome. Last evaluated: 2026-02-02. Review status: criteria provided, single submitter. Criteria: Invitae Variant Classification Sherloc (09022015). Collection method: clinical testing. Allele origin: germline.

GeneDx
Classification: Uncertain significance. Last evaluated: 2025-01-17. Review status: criteria provided, single submitter. Criteria: GeneDx Variant Classification Process June 2021. Collection method: clinical testing. Allele origin: germline. Affected: yes.
Comment: Not observed at significant frequency in large population cohorts (gnomAD); In silico analysis indicates that this variant does not alter protein structure/function; Has not been previously published as pathogenic or benign to our knowledge; Also known as 3623_3624delinsGG; This variant is associated with the following publications: (PMID: 21218378, 30287823, 19619314, 32911887, 19016756)

Quest Diagnostics Nichols Institute San Juan Capistrano
Classification: Uncertain significance. Last evaluated: 2024-11-22. Review status: criteria provided, single submitter. Criteria: Quest Diagnostics criteria. Collection method: clinical testing. Allele origin: unknown.
Comment: The BRCA2 c.3395_3396delinsGG (p.Lys1132Arg) variant has been reported in the published literature among individuals in a hereditary cancer testing cohort (PMID: 31853058 (2020)). This variant has not been reported in large, multi-ethnic general populations (Genome Aggregation Database). Analysis of this variant using bioinformatics tools for the prediction of the effect of amino acid changes on protein structure and function yielded predictions that this variant is benign. Based on the available information, we are unable to determine the clinical significance of this variant.

Ambry Genetics
Classification: Uncertain significance for Hereditary cancer-predisposing syndrome. Last evaluated: 2024-02-01. Review status: criteria provided, single submitter. Criteria: Ambry Variant Classification Scheme 2023. Collection method: clinical testing. Allele origin: germline.
Comment: The c.3395_3396delAAinsGG variant (also known as p.K1132R), located in coding exon 10 of the BRCA2 gene, results from the deletion of AA and insertion of GG from nucleotide positions 3395 to 3396. The lysine at codon 1132 is replaced by arginine, an amino acid with highly similar properties. This amino acid position is well conserved in available vertebrate species. In addition, the in silico prediction for this alteration is inconclusive (Choi Y et al. PLoS ONE. 2012; 7(10):e46688). Based on the available evidence, the clinical significance of this alteration remains unclear.

University of Washington Department of Laboratory Medicine, University of Washington
Classification: Likely benign for Hereditary cancer-predisposing syndrome. Last evaluated: 2023-03-23. Review status: criteria provided, single submitter. Criteria: Dines et al. (Genet Med. 2020). Collection method: curation. Allele origin: germline.
Comment: Missense variant in a coldspot region where missense variants are very unlikely to be pathogenic (PMID:31911673).

BRCA2 exon 11 coldspot. Reclassification based on statistical prior probability.

Women's Health and Genetics/Laboratory Corporation of America, LabCorp
Classification: Likely benign. Last evaluated: 2021-11-20. Review status: criteria provided, single submitter. Criteria: LabCorp Variant Classification Summary - May 2015. Collection method: clinical testing. Allele origin: germline.
Comment: Variant summary: BRCA2 c.3395_3396delinsGG (p.Lys1132Arg) variant involves the alteration of a dinucleotide sequence (AA>GG) where the first nucleotide (i.e. c.3395A>G) is conserved and leads to the same protein level change as the variant of interest (p.Lys1132Arg), however the second nucleotide is non-conserved and an A > G substitution (c.3396A>G, p.Lys1132Lys) is observed in the population as a common, benign polymorphism, with an overall minor allele frequency of ~0.3. p.Lys1132Arg results in a conservative amino acid change in the encoded protein sequence. Four of five in-silico tools predict a benign effect of the variant on protein function. The variant is located in the BRC repeat region between the first and second repeat; this region is involved in the binding of RAD51 (InterPro). c.3395_3396delinsGG (p.Lys1132Arg) and c.3395A>G (p.Lys1132Arg) both are absent in 281716 control chromosomes in gnomAD database. However, the frequency for c.3395A>G as reported within Japanese control individuals in the other databases and publications is approximately 2.5 fold of the estimated maximal expected allele frequency for a pathogenic variant in BRCA2 causing Hereditary Breast and Ovarian Cancer (0.00075), strongly suggesting that the variant is a benign polymorphism found primarily in populations of Japanese origin. c.3395_3396delinsGG has not, to our knowledge, been reported in affected individuals via publications. However, a single nucleotide alteration c.3395A>G (p.Lys1132Arg) has been reported in individuals affected with breast and ovarian cancer (example, Sugano 2008, Palomba 2009, Carney 2010, Ahmadloo 2017, Momozawa_2018), but was also found in healthy controls (example, Ahmadloo 2017, Momozawa_2018). These report(s) do not provide unequivocal conclusions about association of the variant with Hereditary Breast and Ovarian Cancer Syndrome. To our knowledge, no experimental evidence demonstrating an impact on protein function has been reported. Four ClinVar submitters (evaluation after 2014) cite the variant as uncertain significance (n=3) and likely benign (n=1). Based on the evidence outlined above, the variant was classified as likely benign.

Color Diagnostics, LLC DBA Color Health
Classification: Uncertain significance for Hereditary cancer-predisposing syndrome. Last evaluated: 2020-10-07. Review status: criteria provided, single submitter. Criteria: ACMG Guidelines, 2015. Collection method: clinical testing. Allele origin: germline.
Comment: This missense variant replaces lysine with arginine at codon 1132 of the BRCA2 protein. Computational prediction suggests that this variant may not impact protein structure and function (internally defined REVEL score threshold <= 0.5, PMID: 27666373). To our knowledge, functional studies have not been reported for this variant. This variant has not been reported in individuals affected with hereditary cancer in the literature. A similar variant with the same protein change, c.3395A>G(p.Lys1132Arg), has been reported in individuals with breast cancer (PMID: 19619314, 1901676, 21218378, 30287823) but does not show significant association with disease (PMID: 30287823). This variant has not been identified in the general population by the Genome Aggregation Database (gnomAD). The available evidence is insufficient to determine the role of this variant in disease conclusively. Therefore, this variant is classified as a Variant of Uncertain Significance.

Literature cited by the submitters: PubMed 31853058 (cited by Quest Diagnostics Nichols Institute San Juan Capistrano); PubMed 19619314 (cited by Women's Health and Genetics/Laboratory Corporation of America, LabCorp); PubMed 21218378 (cited by Women's Health and Genetics/Laboratory Corporation of America, LabCorp); PubMed 19016756 (cited by Women's Health and Genetics/Laboratory Corporation of America, LabCorp); PubMed 28179634 (cited by Women's Health and Genetics/Laboratory Corporation of America, LabCorp); PubMed 30287823 (cited by Women's Health and Genetics/Laboratory Corporation of America, LabCorp).

NM_000059.4(BRCA2):c.3395_3396delinsGG (p.Lys1132Arg)

Gene: BRCA2 (BRCA2 DNA repair associated; plus strand). Cytogenetic location: 13q13.1.
Variant type: Indel.
Coding change: c.3395_3396delinsGG on transcript NM_000059.4 (MANE Select); coding-DNA positions 3395 to 3396, AA replaced by GG.
Protein change: p.Lys1132Arg; replaces lysine 1132 with arginine.
Molecular consequence: missense variant.
Genome position (GRCh38, 1-based): chr13:32,337,750-32,337,751, AA replaced by GG. VCF-style: chr13-32337750-AA-GG. GRCh37 (hg19) VCF-style: chr13-32911887-AA-GG.
Other names: c.3395_3396delAAinsGG (NM_000059.3); short protein forms K1132R.
Identifiers: ClinVar variation 409606 (VCV000409606.27), dbSNP rs1060502496, ClinGen allele CA16614276.